The following is an entry in ClinVar:

NM_000132.4(F8):c.6273G>A (p.Lys2091=)

Gene: F8 (coagulation factor VIII; minus strand). Cytogenetic location: Xq28.
Variant type: single nucleotide variant.
Coding change: c.6273G>A on transcript NM_000132.4 (MANE Select); coding-DNA position 6273, G replaced by A.
Protein change: p.Lys2091=; no amino-acid change (lysine 2091 retained).
Molecular consequence: synonymous variant.
Genome position (GRCh38, 1-based): chrX:154,899,866, C>T on the plus strand (G>A on the coding strand, the complement: F8 is on the minus strand). VCF-style: chrX-154899866-C-T. GRCh37 (hg19) VCF-style: chrX-154128141-C-T.
Identifiers: ClinVar variation 1330691 (VCV001330691.8), dbSNP rs2148584915, ClinGen allele CA519355143.

ClinVar aggregate classification (germline): Likely pathogenic (1 of 4 stars; one submission).

Conditions:
Hereditary factor VIII deficiency disease (HEMA). Also called: HEMOPHILIA, CLASSIC; AUTOSOMAL HEMOPHILIA A; Hemophilia A; Hemophilia A, congenital; HEM A; Factor 8 deficiency, congenital. Identifiers: Orphanet 98878, MedGen C0019069, MONDO:0010602, OMIM 306700.

Submissions (2):

ARUP Laboratories, Molecular Genetics and Genomics, ARUP Laboratories
Classification: Likely pathogenic for Hereditary factor VIII deficiency disease. Last evaluated: 2021-03-24. Review status: criteria provided, single submitter. Criteria: ARUP Molecular Germline Variant Investigation Process 2021. Collection method: clinical testing. Allele origin: germline.
Comment: The F8 c.6273G>A; p.Lys2091= variant is reported in the literature in an individual affected with severe hemophilia A (Fama 2020). This variant disrupts the canonical splice donor site of intron 21, and analysis of the variant transcripts revealed the presence of two alternative isoforms (Fama 2020). This variant is absent from general population databases (Exome Variant Server, Genome Aggregation Database), indicating it is not a common polymorphism. Based on available information, this variant is considered to be likely pathogenic. References: Fama R et al. Identification and functional characterization of a novel splicing variant in the F8 coagulation gene causing severe hemophilia A. J Thromb Haemost. 2020 May;18(5):1050-1064. PMID: 32078252.

Dr. Peter K. Rogan Lab, Western University
No classification provided (evidence only). Condition: Nonpapillary renal cell carcinoma. Review status: no classification provided. Collection method: in vitro. Allele origin: not applicable. Functional consequence: retained intron. Not counted in ClinVar's aggregate classification.